The following is an entry in ClinVar:

NM_181672.3(OGT):c.1357C>T (p.Arg453Cys)

Gene: OGT (O-linked N-acetylglucosamine (GlcNAc) transferase; plus strand). Cytogenetic location: Xq13.1.
Variant type: single nucleotide variant.
Coding change: c.1357C>T on transcript NM_181672.3 (MANE Select); coding-DNA position 1357, C replaced by T.
Protein change: p.Arg453Cys; replaces arginine 453 with cysteine.
Molecular consequence: missense variant.
Genome position (GRCh38, 1-based): chrX:71,557,231, C>T. VCF-style: chrX-71557231-C-T. GRCh37 (hg19) VCF-style: chrX-70777081-C-T.
Other names: c.1327C>T, p.Arg443Cys (NM_181673.3); short protein forms R443C, R453C.
Identifiers: ClinVar variation 3602444 (VCV003602444.1).

ClinVar aggregate classification (germline): Uncertain significance (1 of 4 stars; one submission).

gnomAD v4.1: 3 of 1,207,464 alleles (0.00025%); highest among the groups gnomAD compares: Non-Finnish European, 0.00034%; no homozygotes.

Submission:

GeneDx
Classification: Uncertain significance. Last evaluated: 2024-08-01. Review status: criteria provided, single submitter. Criteria: GeneDx Variant Classification Process June 2021. Collection method: clinical testing. Allele origin: germline. Affected: yes.
Comment: Not observed at significant frequency in large population cohorts (gnomAD); In silico analysis supports that this missense variant has a deleterious effect on protein structure/function; Has not been previously published as pathogenic or benign to our knowledge